The following is an entry in ClinVar:

NM_006302.3(MOGS):c.2183T>C (p.Leu728Ser)

Gene: MOGS (mannosyl-oligosaccharide glucosidase; minus strand). Cytogenetic location: 2p13.1.
Variant type: single nucleotide variant.
Coding change: c.2183T>C on transcript NM_006302.3 (MANE Select); coding-DNA position 2183, T replaced by C.
Protein change: p.Leu728Ser; replaces leucine 728 with serine.
Molecular consequence: missense variant.
Genome position (GRCh38, 1-based): chr2:74,461,606, A>G on the plus strand (T>C on the coding strand, the complement: MOGS is on the minus strand). VCF-style: chr2-74461606-A-G. GRCh37 (hg19) VCF-style: chr2-74688733-A-G.
Other names: c.1865T>C, p.Leu622Ser (NM_001146158.2); short protein forms L622S, L728S.
Identifiers: ClinVar variation 4681932 (VCV004681932.5).

ClinVar aggregate classification (germline): Uncertain significance (1 of 4 stars; one submission).

Submission:

CeGaT Center for Human Genetics Tuebingen
Classification: Uncertain significance. Last evaluated: 2025-12-01. Review status: criteria provided, single submitter. Criteria: CeGaT Center For Human Genetics Tuebingen Variant Classification Criteria Version 2. Collection method: clinical testing. Allele origin: germline. Affected: yes. Observed: 1 variant allele.
Comment: MOGS: PM2